The following is an entry in ClinVar:

NM_001369.3(DNAH5):c.4108A>G (p.Met1370Val)

Genes: DNAH5 (dynein axonemal heavy chain 5; minus strand), DNAH5-AS1 (DNAH5 antisense RNA 1; plus strand). Cytogenetic location: 5p15.2.
Variant type: single nucleotide variant.
Coding change: c.4108A>G on transcript NM_001369.3 (MANE Select); coding-DNA position 4108, A replaced by G.
Protein change: p.Met1370Val; replaces methionine 1370 with valine.
Molecular consequence: missense variant.
Genome position (GRCh38, 1-based): chr5:13,866,228, T>C on the plus strand (A>G on the coding strand, the complement: DNAH5 is on the minus strand). VCF-style: chr5-13866228-T-C. GRCh37 (hg19) VCF-style: chr5-13866337-T-C.
Other names: c.4108A>G (NM_001369.2); short protein forms M1370V.
Identifiers: ClinVar variation 2156555 (VCV002156555.2), dbSNP rs2546984319, ClinGen allele CA359226147.
Genomic context (GRCh38, chr5:13,866,228, plus strand): 5'-AAACACAACAAAGTTTCATTGTTTAGAAAGTCATAGAAACTAAAAAGATTACCTGAAACA[T>C]GATAAGCCTGTCACTGGCTTCCTGGGGCTTCAAGCCGCTAGCCATTGGACCATTCTGAAC-3'
Protein context (NP_001360.1, residues 1360-1380): KPQEASDRLI[Met1370Val]FQNQFDNIYR

ClinVar aggregate classification (germline): Uncertain significance. Review status: criteria provided, multiple submitters, no conflicts (2 of 4 stars). 2 submissions from 2 submitters: Uncertain significance (2). Last evaluated 2025-03-01.

Conditions:
Primary ciliary dyskinesia. Also called: Ciliary dyskinesia. Identifiers: Orphanet 244, MedGen C0008780, MONDO:0016575, HP:0012265.

Submissions (2):

Ambry Genetics
Classification: Uncertain significance for Primary ciliary dyskinesia. Last evaluated: 2025-03-01. Review status: criteria provided, single submitter. Criteria: Ambry Variant Classification Scheme 2023. Collection method: clinical testing. Allele origin: germline.

Labcorp Genetics (formerly Invitae), Labcorp
Classification: Uncertain significance for Primary ciliary dyskinesia. Last evaluated: 2022-06-19. Review status: criteria provided, single submitter. Criteria: Invitae Variant Classification Sherloc (09022015). Collection method: clinical testing. Allele origin: germline.
Comment: This sequence change replaces methionine, which is neutral and non-polar, with valine, which is neutral and non-polar, at codon 1370 of the DNAH5 protein (p.Met1370Val). This variant is not present in population databases (gnomAD no frequency). This variant has not been reported in the literature in individuals affected with DNAH5-related conditions. Advanced modeling of protein sequence and biophysical properties (such as structural, functional, and spatial information, amino acid conservation, physicochemical variation, residue mobility, and thermodynamic stability) performed at Invitae indicates that this missense variant is not expected to disrupt DNAH5 protein function. In summary, the available evidence is currently insufficient to determine the role of this variant in disease. Therefore, it has been classified as a Variant of Uncertain Significance.